The following is an entry in ClinVar:

NM_177972.3(TUB):c.998+6A>C

Genes: RIC3 (RIC3 acetylcholine receptor chaperone; minus strand), TUB (TUB bipartite transcription factor; plus strand). Cytogenetic location: 11p15.4.
Variant type: single nucleotide variant.
Coding change: c.998+6A>C on transcript NM_177972.3 (MANE Select); 6 bases into the intron after coding-DNA position 998, A replaced by C.
Molecular consequence: intron variant.
Genome position (GRCh38, 1-based): chr11:8,097,832, A>C. VCF-style: chr11-8097832-A-C. GRCh37 (hg19) VCF-style: chr11-8119379-A-C.
Other names: c.1163+6A>C (NM_003320.5).
Identifiers: ClinVar variation 1024925 (VCV001024925.6), dbSNP rs1438611225, ClinGen allele CA597324990.
Genomic context (GRCh38, chr11:8,097,832, plus strand): 5'-CTGTGGACCCAACAGACTTGTCTCGAGGAGGGGACAGCTATATCGGGAAACTGCGGTACT[A>C]GCATTCCCCCAGGAAGCAGGCGGGAGTGGGAGGGAGGGGCAGGGGCAAGCTGTCTGTAGA-3'

ClinVar aggregate classification (germline): Uncertain significance (1 of 4 stars; one submission).

Allele frequency attached by ClinVar (database versions not stated): gnomAD 0.00001; gnomAD exomes 0.00001; TOPMed 0.00001.
gnomAD v4.1: 4 of 1,609,804 alleles (0.00025%); highest among the groups gnomAD compares: Admixed American, 0.0067%; no homozygotes.

Submission:

Labcorp Genetics (formerly Invitae), Labcorp
Classification: Uncertain significance. Last evaluated: 2022-07-18. Review status: criteria provided, single submitter. Criteria: Invitae Variant Classification Sherloc (09022015). Collection method: clinical testing. Allele origin: germline.
Comment: This variant has not been reported in the literature in individuals affected with TUB-related conditions. In summary, the available evidence is currently insufficient to determine the role of this variant in disease. Therefore, it has been classified as a Variant of Uncertain Significance. Variants that disrupt the consensus splice site are a relatively common cause of aberrant splicing (PMID: 17576681, 9536098). Algorithms developed to predict the effect of sequence changes on RNA splicing suggest that this variant is not likely to affect RNA splicing. ClinVar contains an entry for this variant (Variation ID: 1024925). This variant is present in population databases (no rsID available, gnomAD 0.006%). This sequence change falls in intron 9 of the TUB gene. It does not directly change the encoded amino acid sequence of the TUB protein. It affects a nucleotide within the consensus splice site.

Literature cited by the submitters: PubMed 17576681; PubMed 9536098.